The following is an entry in ClinVar:

ClinVar aggregate classification (germline): Uncertain significance (1 of 4 stars; one submission).

Submission:

GeneDx
Classification: Uncertain significance. Last evaluated: 2024-01-25. Review status: criteria provided, single submitter. Criteria: GeneDx Variant Classification Process June 2021. Collection method: clinical testing. Allele origin: germline. Affected: yes.
Comment: Not observed at significant frequency in large population cohorts (gnomAD); In silico analysis supports that this missense variant has a deleterious effect on protein structure/function; Has not been previously published as pathogenic or benign to our knowledge

NM_001002295.2(GATA3):c.938G>T (p.Arg313Ile)

Gene: GATA3 (GATA binding protein 3; plus strand). Cytogenetic location: 10p14.
Variant type: single nucleotide variant.
Coding change: c.938G>T on transcript NM_001002295.2 (MANE Select); coding-DNA position 938, G replaced by T.
Protein change: p.Arg313Ile; replaces arginine 313 with isoleucine.
Molecular consequence: missense variant.
Genome position (GRCh38, 1-based): chr10:8,069,486, G>T. VCF-style: chr10-8069486-G-T. GRCh37 (hg19) VCF-style: chr10-8111449-G-T.
Other names: c.935G>T, p.Arg312Ile (NM_002051.3); short protein forms R312I, R313I.
Identifiers: ClinVar variation 3368255 (VCV003368255.1).